The following is an entry in ClinVar:

NM_003060.4(SLC22A5):c.394-296C>T

Gene: SLC22A5 (solute carrier family 22 member 5; plus strand). Cytogenetic location: 5q31.1.
Variant type: single nucleotide variant.
Coding change: c.394-296C>T on transcript NM_003060.4 (MANE Select); 296 bases into the intron before coding-DNA position 394, C replaced by T.
Molecular consequence: intron variant.
Genome position (GRCh38, 1-based): chr5:132,378,082, C>T. VCF-style: chr5-132378082-C-T. GRCh37 (hg19) VCF-style: chr5-131713774-C-T.
Other names: c.394-82C>T (NM_001308122.2).
Identifiers: ClinVar variation 671627 (VCV000671627.5), dbSNP rs2073642, ClinGen allele CA12036594.

ClinVar aggregate classification (germline): Benign. Review status: criteria provided, multiple submitters, no conflicts (2 of 4 stars). 3 submissions from 3 submitters: Benign (3). Last evaluated 2021-07-15.

Conditions:
Renal carnitine transport defect (CDSP). Also called: CARNITINE DEFICIENCY, SYSTEMIC, DUE TO DEFECT IN RENAL REABSORPTION OF CARNITINE; CARNITINE TRANSPORTER, PLASMA-MEMBRANE, DEFICIENCY OF; CARNITINE UPTAKE DEFECT; Carnitine transporter deficiency; Carnitine Deficiency, Systemic; Systemic primary carnitine deficiency. Identifiers: Orphanet 158, MedGen C0342788, MONDO:0008919, OMIM 212140.

Allele frequency attached by ClinVar (database versions not stated): gnomAD 0.07739 and 0.07991; TOPMed 0.07824; gnomAD exomes 0.07837; 1000 Genomes Project 30x 0.11790; 1000 Genomes Project 0.12320.
gnomAD v4.1: 121,133 of 1,538,810 alleles (7.9%); highest among the groups gnomAD compares: East Asian, 30%; 6,033 homozygotes.

Submissions (3):

Genome-Nilou Lab
Classification: Benign for Renal carnitine transport defect. Last evaluated: 2021-07-15. Review status: criteria provided, single submitter. Criteria: ACMG Guidelines, 2015. Collection method: clinical testing. Allele origin: germline. Affected: no.

Pars Genome Lab
Classification: Benign for Renal carnitine transport defect. Last evaluated: 2021-06-15. Review status: criteria provided, single submitter. Criteria: ACMG Guidelines, 2015. Collection method: clinical testing. Allele origin: germline. Affected: no.

GeneDx
Classification: Benign. Last evaluated: 2018-06-19. Review status: criteria provided, single submitter. Criteria: GeneDx Variant Classification (06012015). Collection method: clinical testing. Allele origin: germline. Affected: yes.
Comment: This variant is considered likely benign or benign based on one or more of the following criteria: it is a conservative change, it occurs at a poorly conserved position in the protein, it is predicted to be benign by multiple in silico algorithms, and/or has population frequency not consistent with disease.